The following is an entry in ClinVar:

NM_001148.6(ANK2):c.6088G>A (p.Glu2030Lys)

Genes: ANK2 (ankyrin 2; plus strand), LOC126807136 (MED14-independent group 3 enhancer GRCh37_chr4:114274931-114276130; plus strand). Cytogenetic location: 4q26.
Variant type: single nucleotide variant.
Coding change: c.6088G>A on transcript NM_001148.6 (MANE Select); coding-DNA position 6088, G replaced by A.
Protein change: p.Glu2030Lys; replaces glutamic acid 2030 with lysine.
Molecular consequence: missense variant. On other transcripts: intron variant (68).
Genome position (GRCh38, 1-based): chr4:113,354,706, G>A. VCF-style: chr4-113354706-G-A. GRCh37 (hg19) VCF-style: chr4-114275862-G-A.
Other names: c.1975+4457G>A (NM_001354280.2); c.1954+4457G>A (NM_001354278.2, NM_001354281.2); c.826+4457G>A (NM_001386167.1); c.6088G>A (NM_001148.4); c.5854G>A, p.Glu1952Lys (NM_001386142.1); c.2488G>A, p.Glu830Lys (NM_001386166.1); c.6229G>A, p.Glu2077Lys (NM_001386174.1); c.6205G>A, p.Glu2069Lys (NM_001386175.1); and 36 more; short protein forms E830K, E1952K, E2077K, E2030K, E2069K.
Identifiers: ClinVar variation 1488089 (VCV001488089.8), dbSNP rs1226590997, ClinGen allele CA357922332.

ClinVar aggregate classification (germline): Uncertain significance. Review status: criteria provided, multiple submitters, no conflicts (2 of 4 stars). 2 submissions from 2 submitters: Uncertain significance (2). Last evaluated 2024-04-29.

Conditions:
Cardiovascular phenotype. Identifiers: MedGen CN230736.
Long QT syndrome (LQTS). Identifiers: MedGen C0023976, MeSH D008133, MONDO:0002442. Disease mechanism: loss of function. Inheritance: Various modes of inheritance.

Submissions (2):

Labcorp Genetics (formerly Invitae), Labcorp
Classification: Uncertain significance for Long QT syndrome. Last evaluated: 2024-04-29. Review status: criteria provided, single submitter. Criteria: Invitae Variant Classification Sherloc (09022015). Collection method: clinical testing. Allele origin: germline.
Comment: This sequence change replaces glutamic acid, which is acidic and polar, with lysine, which is basic and polar, at codon 2030 of the ANK2 protein (p.Glu2030Lys). This variant is not present in population databases (gnomAD no frequency). This variant has not been reported in the literature in individuals affected with ANK2-related conditions. ClinVar contains an entry for this variant (Variation ID: 1488089). Advanced modeling of protein sequence and biophysical properties (such as structural, functional, and spatial information, amino acid conservation, physicochemical variation, residue mobility, and thermodynamic stability) performed at Invitae indicates that this missense variant is not expected to disrupt ANK2 protein function with a negative predictive value of 80%. In summary, the available evidence is currently insufficient to determine the role of this variant in disease. Therefore, it has been classified as a Variant of Uncertain Significance.

Ambry Genetics
Classification: Uncertain significance for Cardiovascular phenotype. Last evaluated: 2023-06-25. Review status: criteria provided, single submitter. Criteria: Ambry Variant Classification Scheme 2023. Collection method: clinical testing. Allele origin: germline.
Comment: The p.E2030K variant (also known as c.6088G>A), located in coding exon 38 of the ANK2 gene, results from a G to A substitution at nucleotide position 6088. The glutamic acid at codon 2030 is replaced by lysine, an amino acid with similar properties. This amino acid position is conserved. In addition, this alteration is predicted to be tolerated by in silico analysis. Since supporting evidence is limited at this time, the clinical significance of this alteration remains unclear.